The following is an entry in ClinVar:

NM_004519.4(KCNQ3):c.680G>A (p.Arg227Gln)

Gene: KCNQ3 (potassium voltage-gated channel subfamily Q member 3; minus strand). Cytogenetic location: 8q24.22.
Variant type: single nucleotide variant.
Coding change: c.680G>A on transcript NM_004519.4 (MANE Select); coding-DNA position 680, G replaced by A.
Protein change: p.Arg227Gln; replaces arginine 227 with glutamine.
Molecular consequence: missense variant.
Genome position (GRCh38, 1-based): chr8:132,180,254, C>T on the plus strand (G>A on the coding strand, the complement: KCNQ3 is on the minus strand). VCF-style: chr8-132180254-C-T. GRCh37 (hg19) VCF-style: chr8-133192501-C-T.
Other names: c.320G>A, p.Arg107Gln (NM_001204824.2); short protein forms R107Q, R227Q.
Identifiers: ClinVar variation 975970 (VCV000975970.27), dbSNP rs1826712021, ClinGen allele CA372290859.

ClinVar aggregate classification (germline): Conflicting classifications of pathogenicity. Review status: criteria provided, conflicting classifications (1 of 4 stars). 5 submissions from 5 submitters: Pathogenic (3); Uncertain significance (1). 1 of the submissions does not count toward it. Last evaluated 2025-09-08.

Conditions:
Benign neonatal seizures. Also called: Benign neonatal familial convulsions; Benign familial neonatal epilepsy; Benign familial neonatal seizures; Convulsions benign familial neonatal dominant form; Autosomal dominant form of benign neonatal seizures. Identifiers: Orphanet 1949, MedGen C0220669, MONDO:0016027.
Seizures, benign familial neonatal, 2. Also called: KCNQ3-Related Self-Limited Familial Neonatal Epilepsy (SLFNE); KCNQ3-Related Benign Familial Neonatal Epilepsy; Seizures, benign neonatal, 2; CONVULSIONS, BENIGN FAMILIAL NEONATAL, 2; Benign Neonatal Epilepsy 2. Identifiers: Orphanet 1949, MedGen C1852581, MONDO:0007366, OMIM 121201.

Allele frequency attached by ClinVar (database versions not stated): gnomAD exomes below 0.00001.
gnomAD v4.1: 1 of 1,614,142 alleles (0.000062%); no homozygotes.

Submissions (5):

Labcorp Genetics (formerly Invitae), Labcorp
Classification: Pathogenic for Benign neonatal seizures. Last evaluated: 2025-09-08. Review status: criteria provided, single submitter. Criteria: Invitae Variant Classification Sherloc (09022015). Collection method: clinical testing. Allele origin: germline.
Comment: This sequence change replaces arginine, which is basic and polar, with glutamine, which is neutral and polar, at codon 227 of the KCNQ3 protein (p.Arg227Gln). This variant is not present in population databases (gnomAD no frequency). This missense change has been observed in individual(s) with clinical features of KCNQ3-related conditions (PMID: 28135719, 31177578, 31785789, 33004838, 36454368; internal data). In at least one individual the variant was observed to be de novo. ClinVar contains an entry for this variant (Variation ID: 975970). Invitae Evidence Modeling of protein sequence and biophysical properties (such as structural, functional, and spatial information, amino acid conservation, physicochemical variation, residue mobility, and thermodynamic stability) indicates that this missense variant is not expected to disrupt KCNQ3 protein function with a negative predictive value of 80%. Experimental studies have shown that this missense change affects KCNQ3 function (PMID: 34728568). For these reasons, this variant has been classified as Pathogenic.

CeGaT Center for Human Genetics Tuebingen
Classification: Pathogenic. Last evaluated: 2024-07-01. Review status: criteria provided, single submitter. Criteria: CeGaT Center For Human Genetics Tuebingen Variant Classification Criteria Version 2. Collection method: clinical testing. Allele origin: germline. Affected: yes. Observed: 1 variant allele.
Comment: KCNQ3: PM1, PM2, PS2:Moderate, PS4:Moderate, PP3, PS3:Supporting

GeneDx
Classification: Pathogenic. Last evaluated: 2023-03-02. Review status: criteria provided, single submitter. Criteria: GeneDx Variant Classification Process June 2021. Collection method: clinical testing. Allele origin: germline. Affected: yes.
Comment: Published functional studies demonstrate R227Q results in a gain-of-function effect (Sands et al., 2019); In silico analysis supports that this missense variant has a deleterious effect on protein structure/function; Not observed at significant frequency in large population cohorts (gnomAD); This variant is associated with the following publications: (PMID: 31785789, 33004838, 24851285, 31177578, 34728568, 28135719)

Institute of Human Genetics, University of Leipzig Medical Center
Classification: Uncertain significance for Seizures, benign familial neonatal, 2. Last evaluated: 2019-05-06. Review status: criteria provided, single submitter. Criteria: ACMG Guidelines, 2015. Collection method: clinical testing. Allele origin: germline. Affected: yes. Observed: 1 variant allele.

GeneReviews
No classification provided. Condition: Seizures, benign familial neonatal, 2. Review status: no classification provided. Collection method: literature only. Allele origin: germline. Not counted in ClinVar's aggregate classification.

Literature cited by the submitters: PubMed 28135719 (cited by Labcorp Genetics (formerly Invitae), Labcorp and GeneReviews); PubMed 31177578 (cited by Labcorp Genetics (formerly Invitae), Labcorp); PubMed 31785789 (cited by Labcorp Genetics (formerly Invitae), Labcorp); PubMed 33004838 (cited by Labcorp Genetics (formerly Invitae), Labcorp); PubMed 36454368 (cited by Labcorp Genetics (formerly Invitae), Labcorp); PubMed 34728568 (cited by Labcorp Genetics (formerly Invitae), Labcorp); NCBI Bookshelf NBK201978 (cited by GeneReviews).